The following is an entry in ClinVar:

NM_000203.5(IDUA):c.-2C>T

Genes: IDUA (alpha-L-iduronidase; plus strand), SLC26A1 (solute carrier family 26 member 1; minus strand). Cytogenetic location: 4p16.3.
Variant type: single nucleotide variant.
Coding change: c.-2C>T on transcript NM_000203.5 (MANE Select); 2 bases upstream of the start codon, C replaced by T.
Molecular consequence: 5 prime UTR variant. On other transcripts: non-coding transcript variant (1), intron variant (1).
Genome position (GRCh38, 1-based): chr4:987,083, C>T. VCF-style: chr4-987083-C-T. GRCh37 (hg19) VCF-style: chr4-980871-C-T.
Other names: c.576+4045G>A (NM_134425.4).
Identifiers: ClinVar variation 990330 (VCV000990330.4), dbSNP rs1472246458, ClinGen allele CA549265075.

ClinVar aggregate classification (germline): Uncertain significance. Review status: criteria provided, single submitter (1 of 4 stars). 2 submissions from 2 submitters: Uncertain significance (1). 1 of the submissions does not count toward it. Last evaluated 2025-07-24.

Conditions:
Mucopolysaccharidosis type 1. Also called: IDUA deficiency; MPS I; Mucopolysaccharidosis Type I. Identifiers: Orphanet 579, MedGen C0023786, MONDO:0001586.

gnomAD v4.1: 2 of 1,484,102 alleles (0.00013%); highest among the groups gnomAD compares: African/African-American, 0.0029%; no homozygotes.

Submissions (2):

Women's Health and Genetics/Laboratory Corporation of America, LabCorp
Classification: Uncertain significance. Last evaluated: 2025-07-24. Review status: criteria provided, single submitter. Criteria: LabCorp Variant Classification Summary - May 2015. Collection method: clinical testing. Allele origin: germline.
Comment: Variant summary: IDUA c.-2C>T is located in the untranslated mRNA region upstream of the initiation codon. The variant allele was found at a frequency of 1.4e-06 in 1453172 control chromosomes. The available data on variant occurrences in the general population are insufficient to allow any conclusion about variant significance. To our knowledge, no occurrence of c.-2C>T in individuals affected with Mucopolysaccharidosis Type 1 and no experimental evidence demonstrating its impact on protein function have been reported. ClinVar contains an entry for this variant (Variation ID: 990330). Based on the evidence outlined above, the variant was classified as uncertain significance.

Natera, Inc.
Classification: Uncertain significance for Mucopolysaccharidosis type I. Last evaluated: 2020-08-14. Review status: no assertion criteria provided. Collection method: clinical testing. Allele origin: germline. Not counted in ClinVar's aggregate classification.